The following is an entry in ClinVar:

ClinVar aggregate classification (germline): Benign/Likely benign. Review status: criteria provided, multiple submitters, no conflicts (2 of 4 stars). 4 submissions from 4 submitters: Benign (1); Likely benign (3). Last evaluated 2026-08-01.

Conditions:
MLIP-related disorder. Also called: MLIP-related condition.

gnomAD v4.1: 7,938 of 1,535,966 alleles (0.52%); highest among the groups gnomAD compares: Non-Finnish European, 0.64%; 37 homozygotes.

Submissions (4):

CeGaT Center for Human Genetics Tuebingen
Classification: Likely benign. Last evaluated: 2026-08-01. Review status: criteria provided, single submitter. Criteria: CeGaT Center For Human Genetics Tuebingen Variant Classification Criteria Version 2. Collection method: clinical testing. Allele origin: germline. Affected: yes. Observed: 7 variant alleles.
Comment: MLIP: BP4, BP7, BS2

Labcorp Genetics (formerly Invitae), Labcorp
Classification: Benign. Last evaluated: 2025-07-18. Review status: criteria provided, single submitter. Criteria: Invitae Variant Classification Sherloc (09022015). Collection method: clinical testing. Allele origin: germline.

PreventionGenetics, part of Exact Sciences
Classification: Likely benign for MLIP-related condition. Last evaluated: 2025-07-15. Review status: criteria provided, single submitter. Criteria: ACMG Guidelines, 2015. Collection method: clinical testing. Allele origin: germline.
Comment: This variant is classified as likely benign based on ACMG/AMP sequence variant interpretation guidelines (Richards et al. 2015 PMID: 25741868, with internal and published modifications).

Blueprint Genetics
Classification: Likely benign. Last evaluated: 2024-11-21. Review status: criteria provided, single submitter. Criteria: ACMG Guidelines, 2015. Collection method: clinical testing. Allele origin: germline.

NM_001281747.2(MLIP):c.1743G>A (p.Thr581=)

Gene: MLIP (muscular LMNA interacting protein; plus strand). Cytogenetic location: 6p12.1.
Variant type: single nucleotide variant.
Coding change: c.1743G>A on transcript NM_001281747.2 (MANE Select); coding-DNA position 1743, G replaced by A.
Protein change: p.Thr581=; no amino-acid change (threonine 581 retained).
Molecular consequence: synonymous variant. On other transcripts: intron variant (1).
Genome position (GRCh38, 1-based): chr6:54,137,812, G>A. VCF-style: chr6-54137812-G-A. GRCh37 (hg19) VCF-style: chr6-54002610-G-A.
Other names: c.1743G>A (NM_001281747.1); c.1710G>A, p.Thr570= (NM_001281746.2); c.613-11244G>A (NM_138569.3).
Identifiers: ClinVar variation 3257587 (VCV003257587.20).
Genomic context (GRCh38, chr6:54,137,812, plus strand): 5'-TTTGAAGAGTAAACAGGATGGTGACCTCAGGGGTCCAGAAAACCCCAGAAACATTCACAC[G>A]TACCCTTCTACATTAGCCTCCTCTGCATTATCTTCTCTATCTCCTCCTATTAATCAAAGA-3'
Protein context (NP_001268676.1, residues 571-591): RGPENPRNIH[Thr581=]YPSTLASSAL